The following is an entry in ClinVar:

NM_000264.5(PTCH1):c.1939A>T (p.Ser647Cys)

Genes: PTCH1 (patched 1; minus strand), LOC100507346 (uncharacterized LOC100507346; plus strand). Cytogenetic location: 9q22.32.
Variant type: single nucleotide variant.
Coding change: c.1939A>T on transcript NM_000264.5 (MANE Select); coding-DNA position 1939, A replaced by T.
Protein change: p.Ser647Cys; replaces serine 647 with cysteine.
Molecular consequence: missense variant. On other transcripts: non-coding transcript variant (2).
Genome position (GRCh38, 1-based): chr9:95,469,062, T>A on the plus strand (A>T on the coding strand, the complement: PTCH1 is on the minus strand). VCF-style: chr9-95469062-T-A. GRCh37 (hg19) VCF-style: chr9-98231344-T-A.
Other names: c.1741A>T, p.Ser581Cys (NM_001083602.3); c.1936A>T, p.Ser646Cys (NM_001083603.3); c.1486A>T, p.Ser496Cys (NM_001083604.3, NM_001083605.3, NM_001083606.3 and 1 more transcripts); c.1783A>T, p.Ser595Cys (NM_001354918.2); c.1939A>T (NM_000264.3); short protein forms S496C, S595C, S646C, S647C, S581C.
Identifiers: ClinVar variation 1438640 (VCV001438640.9), dbSNP rs2118052357, ClinGen allele CA374116004.

ClinVar aggregate classification (germline): Uncertain significance. Review status: criteria provided, multiple submitters, no conflicts (2 of 4 stars). 2 submissions from 2 submitters: Uncertain significance (2). Last evaluated 2026-01-07.

Conditions:
Hereditary cancer-predisposing syndrome. Also called: Neoplastic Syndromes, Hereditary; Tumor predisposition; Hereditary Cancer Syndrome; Hereditary neoplastic syndrome. Identifiers: Orphanet 140162, MedGen C0027672, MeSH D009386, MONDO:0015356.
Gorlin syndrome. Also called: Basal cell nevus syndrome; Nevoid Basal Cell Carcinoma Syndrome. Identifiers: Orphanet 377, MedGen C0004779, MONDO:0007187.

Submissions (2):

Ambry Genetics
Classification: Uncertain significance for Hereditary cancer-predisposing syndrome. Last evaluated: 2026-01-07. Review status: criteria provided, single submitter. Criteria: Ambry Variant Classification Scheme 2023. Collection method: clinical testing. Allele origin: germline.
Comment: The p.S647C variant (also known as c.1939A>T), located in coding exon 14 of the PTCH1 gene, results from an A to T substitution at nucleotide position 1939. The serine at codon 647 is replaced by cysteine, an amino acid with dissimilar properties. This variant was reported in individual(s) with features consistent with PTCH1-related nevoid basal cell carcinoma syndrome (Li TJ et al. Oral Dis, 2008 Mar;14:174-9; Pan S et al. Clin Cancer Res, 2010 Jan;16:442-50). This amino acid position is highly conserved in available vertebrate species. In addition, this alteration is predicted to be deleterious by in silico analysis. Based on the available evidence, the clinical significance of this variant remains unclear.

Labcorp Genetics (formerly Invitae), Labcorp
Classification: Uncertain significance for Gorlin syndrome. Last evaluated: 2022-03-18. Review status: criteria provided, single submitter. Criteria: Invitae Variant Classification Sherloc (09022015). Collection method: clinical testing. Allele origin: germline.
Comment: In summary, the available evidence is currently insufficient to determine the role of this variant in disease. Therefore, it has been classified as a Variant of Uncertain Significance. Advanced modeling of protein sequence and biophysical properties (such as structural, functional, and spatial information, amino acid conservation, physicochemical variation, residue mobility, and thermodynamic stability) performed at Invitae indicates that this missense variant is not expected to disrupt PTCH1 protein function. This missense change has been observed in individual(s) with clinical features of basal cell nevus syndrome (PMID: 18302678). This variant is not present in population databases (gnomAD no frequency). This sequence change replaces serine, which is neutral and polar, with cysteine, which is neutral and slightly polar, at codon 647 of the PTCH1 protein (p.Ser647Cys).

Literature cited by the submitters: PubMed 18302678 (cited by Ambry Genetics and Labcorp Genetics (formerly Invitae), Labcorp); PubMed 20068110 (cited by Ambry Genetics).